The following is an entry in ClinVar:

NM_144687.4(NLRP12):c.1862_1887dup (p.Leu630fs)

Gene: NLRP12 (NLR family pyrin domain containing 12; minus strand). Cytogenetic location: 19q13.42.
Variant type: Duplication.
Coding change: c.1862_1887dup on transcript NM_144687.4 (MANE Select); coding-DNA positions 1862 to 1887, 26 bases duplicated (AGGAGGAGGAGTTTATCCAGCAGGCC).
Protein change: p.Leu630fs; shifts the reading frame from leucine 630.
Molecular consequence: frameshift variant.
Genome position (GRCh38, 1-based): chr19:53,809,772-53,809,797, GGCCTGCTGGATAAACTCCTCCTCCT duplicated on the plus strand (AGGAGGAGGAGTTTATCCAGCAGGCC on the coding strand, the reverse complement: NLRP12 is on the minus strand); duplicating any 26 consecutive bases within chr19:53,809,772-53,809,799 gives the same sequence; the c. name uses the placement nearest the transcript's 3' end. VCF-style (leftmost placement, unchanged base first): chr19-53809771-G-GGGCCTGCTGGATAAACTCCTCCTCCT. GRCh37 (hg19) VCF-style: chr19-54313025-G-GGGCCTGCTGGATAAACTCCTCCTCCT.
Other names: c.1862_1887dup, p.Leu630fs (NM_001277126.2, NM_001277129.1); short protein forms L630fs.
Identifiers: ClinVar variation 5006031 (VCV005006031.2).
Genomic context (GRCh38, chr19:53,809,771, plus strand): 5'-AGACCATGTGCTCCATCTTGGAGGCAATGTTGCTGACCACGATCACCTGGAAGTGGCTCA[G>GGGCCTGCTGGATAAACTCCTCCTCCT]GGCCTGCTGGATAAACTCCTCCTCCTGGATCTCGTACAAGCAGCTGAAGAACTCCAAGGA-3'

ClinVar aggregate classification (germline): Likely pathogenic (1 of 4 stars; one submission).

Conditions:
Familial cold autoinflammatory syndrome 2 (FCAS2). Identifiers: Orphanet 247868, MedGen C2673198, MONDO:0012724, OMIM 611762.

Submission:

Juno Genomics, Hangzhou Juno Genomics, Inc
Classification: Likely pathogenic for Familial cold autoinflammatory syndrome 2. Review status: criteria provided, single submitter. Criteria: ACMG Guidelines, 2015. Collection method: clinical testing. Allele origin: germline.
Comment: Null variant in a gene where loss of function (LOF) is a known mechanism of disease.;Absent from controls (or at extremely low frequency if recessive) in Genome Aggregation Database.